The following is an entry in ClinVar:

ClinVar aggregate classification (germline): Conflicting classifications of pathogenicity. Review status: criteria provided, conflicting classifications (1 of 4 stars). 2 submissions from 2 submitters: Uncertain significance (1); Likely benign (1). Last evaluated 2026-02-23.

Conditions:
Hereditary cancer-predisposing syndrome. Also called: Neoplastic Syndromes, Hereditary; Tumor predisposition; Hereditary Cancer Syndrome; Hereditary neoplastic syndrome. Identifiers: Orphanet 140162, MedGen C0027672, MeSH D009386, MONDO:0015356.

Submissions (2):

Ambry Genetics
Classification: Likely benign for Hereditary cancer-predisposing syndrome. Last evaluated: 2026-02-23. Review status: criteria provided, single submitter. Criteria: Ambry Variant Classification Scheme 2023. Collection method: clinical testing. Allele origin: germline.

Labcorp Genetics (formerly Invitae), Labcorp
Classification: Uncertain significance. Last evaluated: 2021-06-20. Review status: criteria provided, single submitter. Criteria: Invitae Variant Classification Sherloc (09022015). Collection method: clinical testing. Allele origin: germline.
Comment: This variant has not been reported in the literature in individuals with POLE-related conditions. This variant is not present in population databases (ExAC no frequency). This sequence change replaces alanine with threonine at codon 1209 of the POLE protein (p.Ala1209Thr). The alanine residue is weakly conserved and there is a small physicochemical difference between alanine and threonine. Algorithms developed to predict the effect of missense changes on protein structure and function output the following: SIFT: "Tolerated"; PolyPhen-2: "Benign"; Align-GVGD: "Class C0". The threonine amino acid residue is found in multiple mammalian species, suggesting that this missense change does not adversely affect protein function. These predictions have not been confirmed by published functional studies and their clinical significance is uncertain. In summary, the available evidence is currently insufficient to determine the role of this variant in disease. Therefore, it has been classified as a Variant of Uncertain Significance.

NM_006231.4(POLE):c.3625G>A (p.Ala1209Thr)

Gene: POLE (DNA polymerase epsilon, catalytic subunit; minus strand). Cytogenetic location: 12q24.33.
Variant type: single nucleotide variant.
Coding change: c.3625G>A on transcript NM_006231.4 (MANE Select); coding-DNA position 3625, G replaced by A.
Protein change: p.Ala1209Thr; replaces alanine 1209 with threonine.
Molecular consequence: missense variant.
Genome position (GRCh38, 1-based): chr12:132,649,847, C>T on the plus strand (G>A on the coding strand, the complement: POLE is on the minus strand). VCF-style: chr12-132649847-C-T. GRCh37 (hg19) VCF-style: chr12-133226433-C-T.
Other names: c.3625G>A (NM_006231.2); short protein forms A1209T.
Identifiers: ClinVar variation 1444206 (VCV001444206.9), dbSNP rs2042383066, ClinGen allele CA387386935.
Genomic context (GRCh38, chr12:132,649,847, plus strand): 5'-CAGTGACAGGGGCTGCTGGGTGAGGCAGCTTTACGAGGCCGAAGTCCTCCATGTCAGGAG[C>T]ACTTGGCCTCGGACTGTCTTCTGAGGCCTCGGCCATCGTGACCTGGAAAGACCCAGTGAA-3'
Protein context (NP_006222.2, residues 1199-1219): EASEDSPRPS[Ala1209Thr]PDMEDFGLVK